The following is an entry in ClinVar:

NM_001261826.3(AP3D1):c.593-18_593-17delinsCG

Gene: AP3D1 (adaptor related protein complex 3 subunit delta 1; minus strand). Cytogenetic location: 19p13.3.
Variant type: Indel.
Coding change: c.593-18_593-17delinsCG on transcript NM_001261826.3 (MANE Select); 18 bases into the intron before coding-DNA position 593 through 17 bases into the intron before coding-DNA position 593, GA replaced by CG.
Molecular consequence: intron variant.
Genome position (GRCh38, 1-based): chr19:2,129,474-2,129,475, TC replaced by CG on the plus strand (GA replaced by CG on the coding strand, the reverse complement: AP3D1 is on the minus strand). VCF-style: chr19-2129474-TC-CG. GRCh37 (hg19) VCF-style: chr19-2129473-TC-CG.
Other names: c.593-18_593-17delinsCG (NM_003938.8, NM_001374799.1).
Identifiers: ClinVar variation 1083071 (VCV001083071.10), dbSNP rs374386030, ClinGen allele CA304170291.
Genomic context (GRCh38, chr19:2,129,474, plus strand): 5'-TCTGGCCAGCTCGCAGATGACATTGACGGCAGCCGACTGAACCCCTGGGGAACAAGGGGT[TC>CG]TCATCAGCATGCCTGTCCTTCCACCTAGAAAACCATCCTACTGTCTTCCTGGCCCGCGAG-3'

ClinVar aggregate classification (germline): Benign/Likely benign. Review status: criteria provided, multiple submitters, no conflicts (2 of 4 stars). 2 submissions from 2 submitters: Benign (1); Likely benign (1). Last evaluated 2026-02-04.

Submissions (2):

Labcorp Genetics (formerly Invitae), Labcorp
Classification: Likely benign. Last evaluated: 2026-02-04. Review status: criteria provided, single submitter. Criteria: Invitae Variant Classification Sherloc (09022015). Collection method: clinical testing. Allele origin: germline.

Unidad de Genómica Garrahan, Hospital de Pediatría Garrahan
Classification: Benign. Last evaluated: 2023-11-12. Review status: criteria provided, single submitter. Criteria: ACMG Guidelines, 2015. Collection method: clinical testing. Allele origin: germline. Affected: no. Observed: 50 variant alleles.
Comment: This variant is classified as Benign based on local population frequency. This variant was detected in 52% of patients studied by a panel of primary immunodeficiencies. Number of patients: 50. Only high quality variants are reported.